The following is an entry in ClinVar:

NM_006231.4(POLE):c.963G>A (p.Glu321=)

Gene: POLE (DNA polymerase epsilon, catalytic subunit; minus strand). Cytogenetic location: 12q24.33.
Variant type: single nucleotide variant.
Coding change: c.963G>A on transcript NM_006231.4 (MANE Select); coding-DNA position 963, G replaced by A.
Protein change: p.Glu321=; no amino-acid change (glutamic acid 321 retained).
Molecular consequence: synonymous variant.
Genome position (GRCh38, 1-based): chr12:132,676,151, C>T on the plus strand (G>A on the coding strand, the complement: POLE is on the minus strand). VCF-style: chr12-132676151-C-T. GRCh37 (hg19) VCF-style: chr12-133252737-C-T.
Identifiers: ClinVar variation 484497 (VCV000484497.17), dbSNP rs1555229295, ClinGen allele CA482722979.

ClinVar aggregate classification (germline): Benign/Likely benign. Review status: criteria provided, multiple submitters, no conflicts (2 of 4 stars). 3 submissions from 3 submitters: Benign (1); Likely benign (2). Last evaluated 2025-02-07.

Conditions:
Colorectal cancer, susceptibility to, 12 (CRCS12). Also called: COLORECTAL CANCER, SUSCEPTIBILITY TO, ON CHROMOSOME 12q24. Identifiers: Orphanet 220460, MedGen C3554460, MONDO:0014038, OMIM 615083.
Hereditary cancer-predisposing syndrome. Also called: Neoplastic Syndromes, Hereditary; Tumor predisposition; Hereditary Cancer Syndrome; Hereditary neoplastic syndrome. Identifiers: Orphanet 140162, MedGen C0027672, MeSH D009386, MONDO:0015356.

Submissions (3):

Myriad Genetics, Inc.
Classification: Benign for Colorectal cancer, susceptibility to, 12. Last evaluated: 2025-02-07. Review status: criteria provided, single submitter. Criteria: Myriad Autosomal Dominant, Autosomal Recessive and X-Linked Classification Criteria (2023). Collection method: clinical testing. Allele origin: unknown.
Comment: This variant is considered benign. This variant is a silent/synonymous amino acid change and it is not expected to impact splicing.

Labcorp Genetics (formerly Invitae), Labcorp
Classification: Likely benign. Last evaluated: 2024-07-24. Review status: criteria provided, single submitter. Criteria: Invitae Variant Classification Sherloc (09022015). Collection method: clinical testing. Allele origin: germline.

Ambry Genetics
Classification: Likely benign for Hereditary cancer-predisposing syndrome. Last evaluated: 2016-02-18. Review status: criteria provided, single submitter. Criteria: Ambry Variant Classification Scheme 2023. Collection method: clinical testing. Allele origin: germline.